The following is an entry in ClinVar:

NM_024753.5(TTC21B):c.1928C>T (p.Ala643Val)

Gene: TTC21B (tetratricopeptide repeat domain 21B; minus strand). Cytogenetic location: 2q24.3.
Variant type: single nucleotide variant.
Coding change: c.1928C>T on transcript NM_024753.5 (MANE Select); coding-DNA position 1928, C replaced by T.
Protein change: p.Ala643Val; replaces alanine 643 with valine.
Molecular consequence: missense variant.
Genome position (GRCh38, 1-based): chr2:165,915,411, G>A on the plus strand (C>T on the coding strand, the complement: TTC21B is on the minus strand). VCF-style: chr2-165915411-G-A. GRCh37 (hg19) VCF-style: chr2-166771921-G-A.
Other names: short protein forms A643V.
Identifiers: ClinVar variation 4994494 (VCV004994494.1).
Genomic context (GRCh38, chr2:165,915,411, plus strand): 5'-AGGTCTGCATTAGCAATGGTAACCCGCACTTCTTCAGATGTTCCAGAAAATTCATGGATG[G>A]CATCTTGTAAAACTTTGGTTGCCTCATGCTGTAAAGATGAAATTAAAATAATCATTCTTC-3'
Protein context (NP_079029.3, residues 633-653): QHEATKVLQD[Ala643Val]IHEFSGTSEE

ClinVar aggregate classification (germline): Uncertain significance (1 of 4 stars; one submission).

Conditions:
TTC21B-related disorder. Also called: TTC21B-related condition; TTC21B-related disorders.

Submission:

PreventionGenetics, part of Exact Sciences
Classification: Uncertain significance for TTC21B-related condition. Last evaluated: 2025-08-15. Review status: criteria provided, single submitter. Criteria: ACMG Guidelines, 2015. Collection method: clinical testing. Allele origin: germline.
Comment: The TTC21B c.1928C>T variant is predicted to result in the amino acid substitution p.Ala643Val. To our knowledge, this variant has not been reported in the literature or in a large population database (gnomAD), indicating this variant is rare. At this time, the clinical significance of this variant is uncertain due to the absence of conclusive functional and genetic evidence.